The following is an entry in ClinVar:

NM_000320.3(QDPR):c.125TGG[1] (p.Val43del)

Gene: QDPR (quinoid dihydropteridine reductase; minus strand). Cytogenetic location: 4p15.32.
Variant type: Microsatellite.
Coding change: c.125TGG[1] on transcript NM_000320.3 (MANE Select); one copy of the 3-base unit TGG starting at c.125; the reference has two copies in a row; one copy, 3 bases deleted.
Protein change: p.Val43del; deletes valine 43.
Molecular consequence: inframe deletion. On other transcripts: non-coding transcript variant (1), intron variant (1).
Genome position (GRCh38, 1-based): chr4:17,509,339-17,509,341, CCA deleted on the plus strand (TGG on the coding strand, the reverse complement: QDPR is on the minus strand); deleting any 3 consecutive bases within chr4:17,509,339-17,509,345 gives the same sequence; the position shown is the placement nearest the transcript's 3' end. VCF-style (leftmost placement, unchanged base first): chr4-17509338-TCCA-T. GRCh37 (hg19) VCF-style: chr4-17510961-TCCA-T.
Other names: c.105+2609_105+2611del (NM_001306140.2); short protein forms V43del.
Identifiers: ClinVar variation 1983697 (VCV001983697.2), dbSNP rs766006219, ClinGen allele CA2868212.

ClinVar aggregate classification (germline): Uncertain significance (1 of 4 stars; one submission).

Conditions:
Dihydropteridine reductase deficiency (HPABH4C). Also called: BH4-Deficient Hyperphenylalaninemia C; HYPERPHENYLALANINEMIA, TETRAHYDROBIOPTERIN-DEFICIENT, DUE TO DHPR DEFICIENCY; QDPR DEFICIENCY; QUINOID DIHYDROPTERIDINE REDUCTASE DEFICIENCY; Phenylketonuria II; Hyperphenylalaninemia due to dihydropteridine reductase deficiency. Identifiers: Orphanet 226, Orphanet 238583, MedGen C0268465, MONDO:0009862, OMIM 261630.

Submission:

Labcorp Genetics (formerly Invitae), Labcorp
Classification: Uncertain significance for Dihydropteridine reductase deficiency. Last evaluated: 2022-06-20. Review status: criteria provided, single submitter. Criteria: Invitae Variant Classification Sherloc (09022015). Collection method: clinical testing. Allele origin: germline.
Comment: In summary, the available evidence is currently insufficient to determine the role of this variant in disease. Therefore, it has been classified as a Variant of Uncertain Significance. Experimental studies and prediction algorithms are not available or were not evaluated, and the functional significance of this variant is currently unknown. This variant has not been reported in the literature in individuals affected with QDPR-related conditions. This variant is present in population databases (rs766006219, gnomAD 0.01%). This variant, c.128_130del, results in the deletion of 1 amino acid(s) of the QDPR protein (p.Val43del), but otherwise preserves the integrity of the reading frame.